The following is an entry in ClinVar:

NM_000179.3(MSH6):c.2144A>G (p.Asp715Gly)

Gene: MSH6 (mutS homolog 6; plus strand). Cytogenetic location: 2p16.3.
Variant type: single nucleotide variant.
Coding change: c.2144A>G on transcript NM_000179.3 (MANE Select); coding-DNA position 2144, A replaced by G.
Protein change: p.Asp715Gly; replaces aspartic acid 715 with glycine.
Molecular consequence: missense variant.
Genome position (GRCh38, 1-based): chr2:47,800,127, A>G. VCF-style: chr2-47800127-A-G. GRCh37 (hg19) VCF-style: chr2-48027266-A-G.
Other names: c.2144A>G (NM_000179.2); c.1754A>G, p.Asp585Gly (NM_001281492.2); c.1238A>G, p.Asp413Gly (NM_001281493.2, NM_001281494.2); short protein forms D413G, D585G, D715G.
Identifiers: ClinVar variation 1024045 (VCV001024045.11), dbSNP rs1669425686, ClinGen allele CA346751085.

ClinVar aggregate classification (germline): Uncertain significance. Review status: criteria provided, multiple submitters, no conflicts (2 of 4 stars). 2 submissions from 2 submitters: Uncertain significance (2). Last evaluated 2025-09-16.

Conditions:
Hereditary nonpolyposis colorectal neoplasms. Identifiers: MedGen C0009405, MeSH D003123.
Hereditary cancer-predisposing syndrome. Also called: Hereditary Cancer Syndrome; Neoplastic Syndromes, Hereditary; Tumor predisposition; Hereditary neoplastic syndrome. Identifiers: Orphanet 140162, MedGen C0027672, MeSH D009386, MONDO:0015356.

Submissions (2):

Labcorp Genetics (formerly Invitae), Labcorp
Classification: Uncertain significance for Hereditary nonpolyposis colorectal neoplasms. Last evaluated: 2025-09-16. Review status: criteria provided, single submitter. Criteria: Invitae Variant Classification Sherloc (09022015). Collection method: clinical testing. Allele origin: germline.
Comment: This sequence change replaces aspartic acid, which is acidic and polar, with glycine, which is neutral and non-polar, at codon 715 of the MSH6 protein (p.Asp715Gly). This variant is not present in population databases (gnomAD no frequency). This variant has not been reported in the literature in individuals affected with MSH6-related conditions. ClinVar contains an entry for this variant (Variation ID: 1024045). Invitae Evidence Modeling of protein sequence and biophysical properties (such as structural, functional, and spatial information, amino acid conservation, physicochemical variation, residue mobility, and thermodynamic stability) indicates that this missense variant is not expected to disrupt MSH6 protein function with a negative predictive value of 95%. In summary, the available evidence is currently insufficient to determine the role of this variant in disease. Therefore, it has been classified as a Variant of Uncertain Significance.

Ambry Genetics
Classification: Uncertain significance for Hereditary cancer-predisposing syndrome. Last evaluated: 2023-03-16. Review status: criteria provided, single submitter. Criteria: Ambry Variant Classification Scheme 2023. Collection method: clinical testing. Allele origin: germline.
Comment: The p.D715G variant (also known as c.2144A>G), located in coding exon 4 of the MSH6 gene, results from an A to G substitution at nucleotide position 2144. The aspartic acid at codon 715 is replaced by glycine, an amino acid with similar properties. This amino acid position is not well conserved in available vertebrate species. In addition, this alteration is predicted to be tolerated by in silico analysis. Since supporting evidence is limited at this time, the clinical significance of this alteration remains unclear.